The following is an entry in ClinVar:

NM_004928.3(CFAP410):c.642+75G>A

Gene: CFAP410 (cilia and flagella associated protein 410; minus strand). Cytogenetic location: 21q22.3.
Variant type: single nucleotide variant.
Coding change: c.642+75G>A on transcript NM_004928.3 (MANE Select); 75 bases into the intron after coding-DNA position 642, G replaced by A.
Molecular consequence: intron variant. On other transcripts: synonymous variant (1).
Genome position (GRCh38, 1-based): chr21:44,330,748, C>T on the plus strand (G>A on the coding strand, the complement: CFAP410 is on the minus strand). VCF-style: chr21-44330748-C-T. GRCh37 (hg19) VCF-style: chr21-45750631-C-T.
Other names: c.714G>A, p.Glu238= (NM_001271441.2); c.639+75G>A (NM_001271440.2); c.516+75G>A (NM_001271442.1).
Identifiers: ClinVar variation 3354873 (VCV003354873.1).

ClinVar aggregate classification (germline): Likely benign (0 of 4 stars; one submission).

Conditions:
CFAP410-related disorder. Also called: CFAP410-related condition.

gnomAD v4.1: 2 of 1,550,872 alleles (0.00013%); highest among the groups gnomAD compares: Non-Finnish European, 0.00017%; no homozygotes.

Submission:

PreventionGenetics, part of Exact Sciences
Classification: Likely benign for CFAP410-related condition. Last evaluated: 2024-08-01. Review status: no assertion criteria provided. Collection method: clinical testing. Allele origin: germline.
Comment: This variant is classified as likely benign based on ACMG/AMP sequence variant interpretation guidelines (Richards et al. 2015 PMID: 25741868, with internal and published modifications).